The following is an entry in ClinVar:

NM_016507.4(CDK12):c.1439A>G (p.Lys480Arg)

Gene: CDK12 (cyclin dependent kinase 12; plus strand). Cytogenetic location: 17q12.
Variant type: single nucleotide variant.
Coding change: c.1439A>G on transcript NM_016507.4 (MANE Select); coding-DNA position 1439, A replaced by G.
Protein change: p.Lys480Arg; replaces lysine 480 with arginine.
Molecular consequence: missense variant.
Genome position (GRCh38, 1-based): chr17:39,471,271, A>G. VCF-style: chr17-39471271-A-G. GRCh37 (hg19) VCF-style: chr17-37627524-A-G.
Other names: c.1439A>G, p.Lys480Arg (NM_015083.4); short protein forms K480R.
Identifiers: ClinVar variation 4868513 (VCV004868513.1).
Genomic context (GRCh38, chr17:39,471,271, plus strand): 5'-CTGAACTGGTGAATGTAACACATCTAAACACAGAGGTAAAAAATTCTTCAGATACAGGGA[A>G]AGTAAAGTTGGATGAGAACTCCGAGAAGCATCTTGTTAAAGATTTGAAAGCACAGGGAAC-3'
Protein context (NP_057591.2, residues 470-490): TEVKNSSDTG[Lys480Arg]VKLDENSEKH

ClinVar aggregate classification (germline): Uncertain significance (1 of 4 stars; one submission).

Submission:

Ambry Genetics
Classification: Uncertain significance. Last evaluated: 2026-04-28. Review status: criteria provided, single submitter. Criteria: Ambry Variant Classification Scheme 2023. Collection method: clinical testing. Allele origin: germline.
Comment: The p.K480R variant (also known as c.1439A>G), located in coding exon 2 of the CDK12 gene, results from an A to G substitution at nucleotide position 1439. The lysine at codon 480 is replaced by arginine, an amino acid with highly similar properties. This amino acid position is conserved. In addition, this alteration is predicted to be tolerated by in silico analysis. Based on the available evidence, the clinical significance of this variant remains unclear.